The following is an entry in ClinVar:

NM_001430.5(EPAS1):c.2259C>G (p.Asp753Glu)

Gene: EPAS1 (endothelial PAS domain protein 1; plus strand). Cytogenetic location: 2p21.
Variant type: single nucleotide variant.
Coding change: c.2259C>G on transcript NM_001430.5 (MANE Select); coding-DNA position 2259, C replaced by G.
Protein change: p.Asp753Glu; replaces aspartic acid 753 with glutamic acid.
Molecular consequence: missense variant.
Genome position (GRCh38, 1-based): chr2:46,382,061, C>G. VCF-style: chr2-46382061-C-G. GRCh37 (hg19) VCF-style: chr2-46609200-C-G.
Other names: short protein forms D753E.
Identifiers: ClinVar variation 1788559 (VCV001788559.2), dbSNP rs200369398, ClinGen allele CA346705874.

ClinVar aggregate classification (germline): Uncertain significance (1 of 4 stars; one submission).

Conditions:
Inborn genetic diseases. Identifiers: MedGen C0950123, MeSH D030342.

gnomAD v4.1: 2 of 1,592,584 alleles (0.00013%); highest among the groups gnomAD compares: South Asian, 0.0011%; no homozygotes.

Submission:

Ambry Genetics
Classification: Uncertain significance for Inborn genetic diseases. Last evaluated: 2021-08-13. Review status: criteria provided, single submitter. Criteria: Ambry Variant Classification Scheme 2023. Collection method: clinical testing. Allele origin: germline.
Comment: The p.D753E variant (also known as c.2259C>G), located in coding exon 14 of the EPAS1 gene, results from a C to G substitution at nucleotide position 2259. The aspartic acid at codon 753 is replaced by glutamic acid, an amino acid with highly similar properties. This amino acid position is conserved. In addition, this alteration is predicted to be tolerated by in silico analysis. Since supporting evidence is limited at this time, the clinical significance of this alteration remains unclear.